The following is an entry in ClinVar:

NM_000179.3(MSH6):c.657T>C (p.Ser219=)

Gene: MSH6 (mutS homolog 6; plus strand). Cytogenetic location: 2p16.3.
Variant type: single nucleotide variant.
Coding change: c.657T>C on transcript NM_000179.3 (MANE Select); coding-DNA position 657, T replaced by C.
Protein change: p.Ser219=; no amino-acid change (serine 219 retained).
Molecular consequence: synonymous variant. On other transcripts: 5 prime UTR variant (2).
Genome position (GRCh38, 1-based): chr2:47,798,640, T>C. VCF-style: chr2-47798640-T-C. GRCh37 (hg19) VCF-style: chr2-48025779-T-C.
Other names: c.267T>C, p.Ser89= (NM_001281492.2); c.-250T>C (NM_001281493.2, NM_001281494.2).
Identifiers: ClinVar variation 479948 (VCV000479948.17), dbSNP rs1460925251, ClinGen allele CA425995874.

ClinVar aggregate classification (germline): Benign/Likely benign. Review status: criteria provided, multiple submitters, no conflicts (2 of 4 stars). 5 submissions from 5 submitters: Benign (1); Likely benign (4). Last evaluated 2025-06-24.

Conditions:
Hereditary nonpolyposis colorectal neoplasms. Identifiers: MedGen C0009405, MeSH D003123.
Hereditary cancer-predisposing syndrome. Also called: Hereditary Cancer Syndrome; Neoplastic Syndromes, Hereditary; Tumor predisposition; Hereditary neoplastic syndrome. Identifiers: Orphanet 140162, MedGen C0027672, MeSH D009386, MONDO:0015356.
Lynch syndrome 5 (LYNCH5). Also called: Colorectal cancer, hereditary nonpolyposis, type 5; Hereditary non-polyposis colorectal cancer, type 5. Identifiers: Orphanet 144, MedGen C1833477, MONDO:0013710, OMIM 614350. Disease mechanism: loss of function.

Allele frequency attached by ClinVar (database versions not stated): TOPMed below 0.00001; gnomAD 0.00001.
gnomAD v4.1: 2 of 1,611,788 alleles (0.00012%); highest among the groups gnomAD compares: Non-Finnish European, 0.00017%; no homozygotes.

Submissions (5):

Labcorp Genetics (formerly Invitae), Labcorp
Classification: Likely benign for Hereditary nonpolyposis colorectal neoplasms. Last evaluated: 2025-06-24. Review status: criteria provided, single submitter. Criteria: Invitae Variant Classification Sherloc (09022015). Collection method: clinical testing. Allele origin: germline.

Myriad Genetics, Inc.
Classification: Benign for Lynch syndrome 5. Last evaluated: 2024-12-19. Review status: criteria provided, single submitter. Criteria: Myriad Autosomal Dominant, Autosomal Recessive and X-Linked Classification Criteria (2023). Collection method: clinical testing. Allele origin: unknown.
Comment: This variant is considered benign. This variant is a silent/synonymous amino acid change and it is not expected to impact splicing.

Color Diagnostics, LLC DBA Color Health
Classification: Likely benign for Hereditary cancer-predisposing syndrome. Last evaluated: 2019-06-18. Review status: criteria provided, single submitter. Criteria: ACMG Guidelines, 2015. Collection method: clinical testing. Allele origin: germline.

GeneDx
Classification: Likely benign. Last evaluated: 2018-04-30. Review status: criteria provided, single submitter. Criteria: GeneDx Variant Classification (06012015). Collection method: clinical testing. Allele origin: germline. Affected: yes.
Comment: This variant is considered likely benign or benign based on one or more of the following criteria: it is a conservative change, it occurs at a poorly conserved position in the protein, it is predicted to be benign by multiple in silico algorithms, and/or has population frequency not consistent with disease.

Ambry Genetics
Classification: Likely benign for Hereditary cancer-predisposing syndrome. Last evaluated: 2016-12-27. Review status: criteria provided, single submitter. Criteria: Ambry Variant Classification Scheme 2023. Collection method: clinical testing. Allele origin: germline.